The following is an entry in ClinVar:

ClinVar aggregate classification (germline): Likely pathogenic. Review status: criteria provided, multiple submitters, no conflicts (2 of 4 stars). 2 submissions from 2 submitters: Likely pathogenic (2). Last evaluated 2024-07-11.

Conditions:
Cardiovascular phenotype. Identifiers: MedGen CN230736.
Autosomal recessive limb-girdle muscular dystrophy type 2J (LGMDR10). Also called: Limb-girdle muscular dystrophy, type 2J; MUSCULAR DYSTROPHY, LIMB-GIRDLE, AUTOSOMAL RECESSIVE 10. Identifiers: Orphanet 140922, MedGen C1837342, MONDO:0012127, OMIM 608807.
Dilated cardiomyopathy 1G (CMD1G). Identifiers: Orphanet 154, MedGen C1858763, MONDO:0011400, OMIM 604145.

Submissions (2):

Labcorp Genetics (formerly Invitae), Labcorp
Classification: Likely pathogenic for Dilated cardiomyopathy 1G; Autosomal recessive limb-girdle muscular dystrophy type 2J. Last evaluated: 2024-07-11. Review status: criteria provided, single submitter. Criteria: Invitae Variant Classification Sherloc (09022015). Collection method: clinical testing. Allele origin: germline.
Comment: This sequence change creates a premature translational stop signal (p.Asp17805Metfs*11) in the TTN gene. While this is not anticipated to result in nonsense mediated decay, it is expected to create a truncated TTN protein. This variant is not present in population databases (gnomAD no frequency). This variant has not been reported in the literature in individuals affected with TTN-related conditions. ClinVar contains an entry for this variant (Variation ID: 1793953). This variant is located in the A band of TTN (PMID: 25589632). Truncating variants in this region are significantly overrepresented in patients affected with dilated cardiomyopathy (PMID: 25589632). Truncating variants in this region have also been reported in individuals affected with autosomal recessive centronuclear myopathy (PMID: 23975875). In summary, the currently available evidence indicates that the variant is pathogenic, but additional data are needed to prove that conclusively. Therefore, this variant has been classified as Likely Pathogenic.

Ambry Genetics
Classification: Likely pathogenic for Cardiovascular phenotype. Last evaluated: 2019-05-17. Review status: criteria provided, single submitter. Criteria: Ambry Variant Classification Scheme 2023. Collection method: clinical testing. Allele origin: germline.
Comment: The c.26217delA variant, located in coding exon 105 of the TTN gene, results from a deletion of one nucleotide at nucleotide position 26217, causing a translational frameshift with a predicted alternate stop codon (p.D8740Mfs*11). This exon is located in the A-band region of the N2-B isoform of the titin protein and is constitutively expressed in TTN transcripts (percent spliced in or PSI 100%). This alteration is expected to result in loss of function by premature protein truncation or nonsense-mediated mRNA decay. While truncating variants in TTN are present in 1-3% of the general population, truncating variants in the A-band are the most common cause of dilated cardiomyopathy (DCM) (Herman DS et al. N. Engl. J. Med., 2012 Feb;366:619-28; Roberts AM et al. Sci Transl Med, 2015 Jan;7:270ra6). TTN truncating variants encoded in constitutive exons (PSI >90%) have been found to be significantly associated with DCM regardless of their position in titin (Schafer S et al. Nat. Genet., 2017 01;49:46-53). As such, this alteration is classified as likely pathogenic.

Literature cited by the submitters: PubMed 25589632 (cited by Labcorp Genetics (formerly Invitae), Labcorp); PubMed 23975875 (cited by Labcorp Genetics (formerly Invitae), Labcorp).

NM_001267550.2(TTN):c.53412del (p.Asp17805fs)

Genes: TTN-AS1 (TTN antisense RNA 1; plus strand), TTN (titin; minus strand). Cytogenetic location: 2q31.2.
Variant type: Deletion.
Coding change: c.53412del on transcript NM_001267550.2 (MANE Select); coding-DNA position 53412, one base deleted (A; older notation c.53412delA).
Protein change: p.Asp17805fs; shifts the reading frame from aspartic acid 17805.
Molecular consequence: frameshift variant.
Genome position (GRCh38, 1-based): chr2:178,607,190, T deleted on the plus strand (A on the coding strand, the reverse complement: TTN is on the minus strand); the first of 4 consecutive T bases (chr2:178,607,190-178,607,193); deleting any one gives the same sequence. VCF-style (leftmost placement, unchanged base first): chr2-178607189-CT-C. GRCh37 (hg19) VCF-style: chr2-179471916-CT-C.
Other names: c.48489del, p.Asp16164fs (NM_001256850.1); c.26217del, p.Asp8740fs (NM_003319.4); c.45708del, p.Asp15237fs (NM_133378.4); c.26592del, p.Asp8865fs (NM_133432.3); c.26793del, p.Asp8932fs (NM_133437.4); c.26217delA (NM_003319.4); short protein forms D17805fs, D16164fs, D8740fs, D8865fs, D15237fs, D8932fs.
Identifiers: ClinVar variation 1793953 (VCV001793953.4), dbSNP rs2470278474, ClinGen allele CA2580064927.
Genomic context (GRCh38, chr2:178,607,189, plus strand): 5'-TGATGTCACATTTAGATCTCTCAGTCTCTATTGGTTGTCTCCAAGTATGCATCTTGGCAT[CT>C]TTTCTTTCAATGATAAAGCCTGTTATTTCACTTCCTCCATCATCTTCTGGATCAGACCAG-3'